The following is an entry in ClinVar:

NM_006009.4(TUBA1A):c.521C>T (p.Ala174Val)

Gene: TUBA1A (tubulin alpha 1a; minus strand). Cytogenetic location: 12q13.12.
Variant type: single nucleotide variant.
Coding change: c.521C>T on transcript NM_006009.4 (MANE Select); coding-DNA position 521, C replaced by T.
Protein change: p.Ala174Val; replaces alanine 174 with valine.
Molecular consequence: missense variant.
Genome position (GRCh38, 1-based): chr12:49,185,845, G>A on the plus strand (C>T on the coding strand, the complement: TUBA1A is on the minus strand). VCF-style: chr12-49185845-G-A. GRCh37 (hg19) VCF-style: chr12-49579628-G-A.
Other names: c.521C>T, p.Ala174Val (NM_001270399.2); c.416C>T, p.Ala139Val (NM_001270400.2); short protein forms A174V, A139V.
Identifiers: ClinVar variation 160159 (VCV000160159.68), dbSNP rs587784489, ClinGen allele CA213271.

ClinVar aggregate classification (germline): Conflicting classifications of pathogenicity. Review status: criteria provided, conflicting classifications (1 of 4 stars). 12 submissions from 12 submitters: Pathogenic (4); Likely pathogenic (7); Uncertain significance (1). Last evaluated 2025-06-25.

Conditions:
TUBA1A-related disorder. Also called: TUBA1A-related condition.
Early Myoclonic Encephalopathy. Identifiers: MedGen C0270855.
Continuous spike and waves during slow sleep. Identifiers: MedGen C3806403, HP:0031491.
Tubulinopathy-associated dysgyria. Identifiers: Orphanet 467166, MedGen C5568850, MONDO:0018763.
Tubulinopathy. Also called: Tubulinopathies. Identifiers: MedGen CN850169, MONDO:0100153.
Lissencephaly due to TUBA1A mutation (CDCBM16). Also called: CORTICAL DYSPLASIA, COMPLEX, WITH OTHER BRAIN MALFORMATIONS 16; Lissencephaly 3. Identifiers: Orphanet 171680, MedGen C4305153, MONDO:0012703, OMIM 611603.

Submissions (12):

Revvity Omics, Revvity
Classification: Likely pathogenic for Lissencephaly due to TUBA1A mutation. Last evaluated: 2025-06-25. Review status: criteria provided, single submitter. Criteria: ACMG Guidelines, 2015. Collection method: clinical testing. Allele origin: germline.

GeneDx
Classification: Pathogenic. Last evaluated: 2025-05-28. Review status: criteria provided, single submitter. Criteria: GeneDx Variant Classification Process June 2021. Collection method: clinical testing. Allele origin: germline. Affected: yes.
Comment: Not observed at significant frequency in large population cohorts (gnomAD); Missense variants in this gene are a common cause of disease and they are underrepresented in the general population; In silico analysis supports that this missense variant has a deleterious effect on protein structure/function; This variant is associated with the following publications: (PMID: 32978145, 30744660, 33528536, 38064432, 36403095, 35017693, 35636247, 31833200)

Equipe Genetique des Anomalies du Developpement, Université de Bourgogne
Classification: Likely pathogenic for Lissencephaly due to TUBA1A mutation. Last evaluated: 2023-10-16. Review status: criteria provided, single submitter. Criteria: ACMG Guidelines, 2015. Collection method: clinical testing. Allele origin: de novo. Affected: yes.

Labcorp Genetics (formerly Invitae), Labcorp
Classification: Pathogenic. Last evaluated: 2022-05-11. Review status: criteria provided, single submitter. Criteria: Invitae Variant Classification Sherloc (09022015). Collection method: clinical testing. Allele origin: germline.
Comment: For these reasons, this variant has been classified as Pathogenic. Algorithms developed to predict the effect of missense changes on protein structure and function (SIFT, PolyPhen-2, Align-GVGD) all suggest that this variant is likely to be disruptive. ClinVar contains an entry for this variant (Variation ID: 160159). This missense change has been observed in individual(s) with clinical features of TUBA1A-related conditions (PMID: 31833200; Invitae). In at least one individual the variant was observed to be de novo. This variant is not present in population databases (gnomAD no frequency). This sequence change replaces alanine, which is neutral and non-polar, with valine, which is neutral and non-polar, at codon 174 of the TUBA1A protein (p.Ala174Val).

Blueprint Genetics
Classification: Pathogenic for TUBA1A-related disorders. Last evaluated: 2022-01-18. Review status: criteria provided, single submitter. Criteria: ACMG Guidelines, 2015. Collection method: clinical testing. Allele origin: de novo. Affected: yes. Observed: 2 variant alleles.

Center for Pediatrics and Adolescent Medicine, University Hospital Heidelberg
Classification: Pathogenic for Tubulinopathy-associated dysgyria; Developmental and/or epileptic encephalopathy with spike-wave activation in sleep. Last evaluated: 2021-11-01. Review status: criteria provided, single submitter. Criteria: ACMG Guidelines, 2015. Collection method: research. Allele origin: de novo. Inheritance: Autosomal dominant inheritance. Affected: yes. Observed: 2 heterozygotes. Clinical features observed: Microcephaly (HP:0000252), Seizure (HP:0001250), Focal impaired awareness tonic seizure (HP:0032724), Epileptic spasm (HP:0011097), Global developmental delay (HP:0001263), Floppy infant (HP:0008947), Hypertonia (HP:0001276), Spastic tetraparesis (HP:0001285), Poor gross motor coordination (HP:0007015), Inability to walk (HP:0002540), Strabismus (HP:0000486), Cerebral visual impairment (HP:0100704), and 16 more. Segregation with disease not observed.

MGZ Medical Genetics Center
Classification: Likely pathogenic for Lissencephaly due to TUBA1A mutation. Last evaluated: 2021-06-29. Review status: criteria provided, single submitter. Criteria: ACMG Guidelines, 2015. Collection method: clinical testing. Allele origin: germline. Affected: yes. Observed: 1 variant allele.
Comment: ACMG criteria applied: PS2, PM5, PM2_SUP, PP2, PP3

Institute of Medical Genetics and Applied Genomics, University Hospital Tübingen
Classification: Likely pathogenic. Last evaluated: 2020-10-23. Review status: criteria provided, single submitter. Criteria: ACMG Guidelines, 2015. Collection method: clinical testing. Allele origin: germline. Inheritance: Autosomal dominant inheritance. Affected: yes.

Institute of Human Genetics, FAU Erlangen, Friedrich-Alexander-Universität Erlangen-Nürnberg
Classification: Likely pathogenic for Tubulinopathies. Last evaluated: 2018-07-01. Review status: criteria provided, single submitter. Criteria: ACMG Guidelines, 2015. Collection method: literature only. Allele origin: germline. Affected: yes. Observed: 1 variant allele.
Comment: The c.521C>T, p.(Ala174Val) variant has been reported as a variant of germline/unknown origin.

CeGaT Center for Human Genetics Tuebingen
Classification: Uncertain significance. Last evaluated: 2018-03-01. Review status: criteria provided, single submitter. Criteria: CeGaT Center For Human Genetics Tuebingen Variant Classification Criteria Version 2. Collection method: clinical testing. Allele origin: germline. Affected: yes. Observed: 1 variant allele.

Institute of Human Genetics, University of Leipzig Medical Center
Classification: Likely pathogenic for Lissencephaly due to TUBA1A mutation. Last evaluated: 2017-08-11. Review status: criteria provided, single submitter. Criteria: ACMG Guidelines, 2015. Collection method: clinical testing. Allele origin: germline. Affected: yes. Observed: 1 variant allele.

Genetic Services Laboratory, University of Chicago
Classification: Likely pathogenic for Lissencephaly 3. Last evaluated: 2016-04-19. Review status: criteria provided, single submitter. Criteria: ACMG Guidelines, 2015. Collection method: clinical testing. Allele origin: germline. Affected: yes.

Literature cited by the submitters: PubMed 31833200 (cited by Labcorp Genetics (formerly Invitae), Labcorp and Center for Pediatrics and Adolescent Medicine, University Hospital Heidelberg); PubMed 30744660 (cited by Institute of Human Genetics, FAU Erlangen, Friedrich-Alexander-Universität Erlangen-Nürnberg); DOI 10.1101/427948 (cited by Institute of Human Genetics, FAU Erlangen, Friedrich-Alexander-Universität Erlangen-Nürnberg).